The following is an entry in ClinVar:

ClinVar aggregate classification (germline): Likely pathogenic (1 of 4 stars; one submission).

Conditions:
Intellectual developmental disorder, X-linked 104. Also called: Intellectual disability, X-linked 104. Identifiers: MedGen C4310817, MONDO:0010509, OMIM 300983.

Submission:

Greenwood Genetic Center Diagnostic Laboratories, Greenwood Genetic Center
Classification: Likely pathogenic for Intellectual developmental disorder, X-linked 104. Last evaluated: 2024-02-14. Review status: criteria provided, single submitter. Criteria: ACMG Guidelines, 2015. Collection method: clinical testing. Allele origin: germline. Affected: yes.
Comment: PVS1, PM2

NM_001368397.1(FRMPD4):c.2800del (p.Arg934fs)

Gene: FRMPD4 (FERM and PDZ domain containing 4; plus strand). Cytogenetic location: Xp22.2.
Variant type: Deletion.
Coding change: c.2800del on transcript NM_001368397.1 (MANE Select); coding-DNA position 2800, one base deleted (C; older notation c.2800delC).
Protein change: p.Arg934fs; shifts the reading frame from arginine 934.
Molecular consequence: frameshift variant.
Genome position (GRCh38, 1-based): chrX:12,717,626, C deleted; the last of 3 consecutive C bases (chrX:12,717,624-12,717,626); deleting any one gives the same sequence. VCF-style (leftmost placement, unchanged base first): chrX-12717623-TC-T. GRCh37 (hg19) VCF-style: chrX-12735742-TC-T.
Other names: c.2776del, p.Arg926fs (NM_001368402.3, NM_001368401.1); c.2800del, p.Arg934fs (NM_014728.3); c.2911del, p.Arg971fs (NM_001368395.3, NM_001368398.3); c.2806del, p.Arg936fs (NM_001368396.3); c.2791del, p.Arg931fs (NM_001368399.3); c.2680del, p.Arg894fs (NM_001368400.3); short protein forms R894fs, R926fs, R931fs, R934fs, R936fs, R971fs.
Identifiers: ClinVar variation 3235747 (VCV003235747.1), dbSNP rs2519857290, ClinGen allele CA2825002891.